The following is an entry in ClinVar:

NM_018979.4(WNK1):c.560_561delinsCT (p.Gly187Ala)

Gene: WNK1 (WNK lysine deficient protein kinase 1; plus strand). Cytogenetic location: 12p13.33.
Variant type: Indel.
Coding change: c.560_561delinsCT on transcript NM_018979.4 (MANE Select); coding-DNA positions 560 to 561, GC replaced by CT.
Protein change: p.Gly187Ala; replaces glycine 187 with alanine.
Molecular consequence: missense variant.
Genome position (GRCh38, 1-based): chr12:754,125-754,126, GC replaced by CT. VCF-style: chr12-754125-GC-CT. GRCh37 (hg19) VCF-style: chr12-863291-GC-CT.
Other names: c.560_561delinsCT, p.Gly187Ala (NM_001184985.2, NM_014823.3, NM_213655.5); short protein forms G187A.
Identifiers: ClinVar variation 3756997 (VCV003756997.2).

ClinVar aggregate classification (germline): Uncertain significance (1 of 4 stars; one submission).

Conditions:
Neuropathy, hereditary sensory and autonomic, type 2A (HSAN2A). Also called: ACROOSTEOLYSIS, GIACCAI TYPE; ACROOSTEOLYSIS, NEUROGENIC; MORVAN DISEASE; NEUROPATHY, CONGENITAL SENSORY; NEUROPATHY, HEREDITARY SENSORY RADICULAR, AUTOSOMAL RECESSIVE; NEUROPATHY, HEREDITARY SENSORY, TYPE IIA. Identifiers: Orphanet 970, MedGen C2752089, MONDO:0024309, OMIM 201300.
Pseudohypoaldosteronism type 2C (PHA2C). Also called: Pseudohypoaldosteronism Type IIC. Identifiers: Orphanet 757, Orphanet 88940, MedGen C1840391, MONDO:0013778, OMIM 614492.

Submission:

Labcorp Genetics (formerly Invitae), Labcorp
Classification: Uncertain significance for Neuropathy, hereditary sensory and autonomic, type 2A; Pseudohypoaldosteronism type 2C. Last evaluated: 2024-06-26. Review status: criteria provided, single submitter. Criteria: Invitae Variant Classification Sherloc (09022015). Collection method: clinical testing. Allele origin: germline.
Comment: This sequence change replaces glycine, which is neutral and non-polar, with alanine, which is neutral and non-polar, at codon 187 of the WNK1 protein (p.Gly187Ala). Information on the frequency of this variant in the gnomAD database is not available, as this variant may be reported differently in the database. This variant has not been reported in the literature in individuals affected with WNK1-related conditions. Experimental studies and prediction algorithms are not available or were not evaluated, and the functional significance of this variant is currently unknown. In summary, the available evidence is currently insufficient to determine the role of this variant in disease. Therefore, it has been classified as a Variant of Uncertain Significance.